The following is an entry in ClinVar:

NM_002691.4(POLD1):c.2797G>T (p.Val933Leu)

Gene: POLD1 (DNA polymerase delta 1, catalytic subunit; plus strand). Cytogenetic location: 19q13.33.
Variant type: single nucleotide variant.
Coding change: c.2797G>T on transcript NM_002691.4 (MANE Select); coding-DNA position 2797, G replaced by T.
Protein change: p.Val933Leu; replaces valine 933 with leucine.
Molecular consequence: missense variant.
Genome position (GRCh38, 1-based): chr19:50,415,803, G>T. VCF-style: chr19-50415803-G-T. GRCh37 (hg19) VCF-style: chr19-50919060-G-T.
Other names: c.2797G>T, p.Val933Leu (NM_001256849.1); c.2875G>T, p.Val959Leu (NM_001308632.1); c.2797G>T (NM_002691.2); short protein forms V933L, V959L.
Identifiers: ClinVar variation 469301 (VCV000469301.14), dbSNP rs764785216, ClinGen allele CA406986061.

ClinVar aggregate classification (germline): Conflicting classifications of pathogenicity. Review status: criteria provided, conflicting classifications (1 of 4 stars). 3 submissions from 3 submitters: Uncertain significance (2); Likely benign (1). Last evaluated 2025-10-29.

Conditions:
POLD1-related polyposis and colorectal cancer syndrome (CRCS10). Also called: Colorectal cancer 10; COLORECTAL CANCER, SUSCEPTIBILITY TO, ON CHROMOSOME 19q; Colorectal cancer, susceptibility to, 10. Identifiers: Orphanet 220460, MedGen C2675481, MONDO:0012953, OMIM 612591.
Hereditary cancer-predisposing syndrome. Also called: Neoplastic Syndromes, Hereditary; Hereditary neoplastic syndrome; Tumor predisposition; Hereditary Cancer Syndrome. Identifiers: Orphanet 140162, MedGen C0027672, MeSH D009386, MONDO:0015356.

gnomAD v4.1: 26 of 1,549,008 alleles (0.0017%); highest among the groups gnomAD compares: Non-Finnish European, 0.0022%; no homozygotes.

Submissions (3):

Labcorp Genetics (formerly Invitae), Labcorp
Classification: Uncertain significance for POLD1-related polyposis and colorectal cancer syndrome. Last evaluated: 2025-10-29. Review status: criteria provided, single submitter. Criteria: Invitae Variant Classification Sherloc (09022015). Collection method: clinical testing. Allele origin: germline.
Comment: This sequence change replaces valine, which is neutral and non-polar, with leucine, which is neutral and non-polar, at codon 933 of the POLD1 protein (p.Val933Leu). The frequency data for this variant in the population databases is considered unreliable, as metrics indicate poor data quality at this position in the gnomAD database. This variant has not been reported in the literature in individuals affected with POLD1-related conditions. ClinVar contains an entry for this variant (Variation ID: 469301). Invitae Evidence Modeling of protein sequence and biophysical properties (such as structural, functional, and spatial information, amino acid conservation, physicochemical variation, residue mobility, and thermodynamic stability) indicates that this missense variant is not expected to disrupt POLD1 protein function with a negative predictive value of 80%. In summary, the available evidence is currently insufficient to determine the role of this variant in disease. Therefore, it has been classified as a Variant of Uncertain Significance.

Ambry Genetics
Classification: Likely benign for Hereditary cancer-predisposing syndrome. Last evaluated: 2024-12-11. Review status: criteria provided, single submitter. Criteria: Ambry Variant Classification Scheme 2023. Collection method: clinical testing. Allele origin: germline.

Laboratory for Molecular Medicine, Mass General Brigham Personalized Medicine
Classification: Uncertain significance. Last evaluated: 2017-02-27. Review status: criteria provided, single submitter. Criteria: LMM Criteria. Collection method: clinical testing. Allele origin: germline. Observed: 1 variant allele.
Comment: The p.Val933Leu variant in POLD1 has not been previously reported in individuals with colorectal cancer and was absent from large population studies. Computatio nal prediction tools and conservation analysis do not provide strong support for or against an impact to the protein. In summary, the clinical significance of t he p.Val933Leu variant is uncertain.